The following is an entry in ClinVar:

ClinVar aggregate classification (germline): Likely benign (1 of 4 stars; one submission).

Allele frequency attached by ClinVar (database versions not stated): 1000 Genomes Project 0.00679; 1000 Genomes Project 30x 0.00703; gnomAD 0.00758 and 0.00822; TOPMed 0.00854.
gnomAD v4.1: 1,140 of 152,358 alleles (0.75%); highest among the groups gnomAD compares: African/African-American, 2.7%; 15 homozygotes.

Submission:

GeneDx
Classification: Likely benign. Last evaluated: 2018-06-19. Review status: criteria provided, single submitter. Criteria: GeneDx Variant Classification (06012015). Collection method: clinical testing. Allele origin: germline. Affected: yes.
Comment: This variant is considered likely benign or benign based on one or more of the following criteria: it is a conservative change, it occurs at a poorly conserved position in the protein, it is predicted to be benign by multiple in silico algorithms, and/or has population frequency not consistent with disease.

NM_015443.4(KANSL1):c.1849-283A>G

Gene: KANSL1 (KAT8 regulatory NSL complex subunit 1). Cytogenetic location: 17q21.31.
Variant type: single nucleotide variant.
Coding change: c.1849-283A>G on transcript NM_015443.4 (MANE Select); 283 bases into the intron before coding-DNA position 1849, A replaced by G.
Molecular consequence: intron variant.
Genome position (GRCh38, 1-based): chr17:46,050,987, T>C on the plus strand (A>G on the coding strand, the complement: KANSL1 is on the minus strand). VCF-style: chr17-46050987-T-C. GRCh37 (hg19) VCF-style: chr17-44128353-T-C.
Other names: c.1849-283A>G (NM_001193465.2, NM_001379198.1, NM_001193466.2).
Identifiers: ClinVar variation 669705 (VCV000669705.1), dbSNP rs147080346, ClinGen allele CA291112438.